The following is an entry in ClinVar:

NM_003383.5(VLDLR):c.732C>G (p.Ile244Met)

Gene: VLDLR (very low density lipoprotein receptor; plus strand). Cytogenetic location: 9p24.2.
Variant type: single nucleotide variant.
Coding change: c.732C>G on transcript NM_003383.5 (MANE Select); coding-DNA position 732, C replaced by G.
Protein change: p.Ile244Met; replaces isoleucine 244 with methionine.
Molecular consequence: missense variant.
Genome position (GRCh38, 1-based): chr9:2,643,443, C>G. VCF-style: chr9-2643443-C-G. GRCh37 (hg19) VCF-style: chr9-2643443-C-G.
Other names: c.732C>G, p.Ile244Met (NM_001018056.3); c.609C>G, p.Ile203Met (NM_001322225.2, NM_001322226.2); short protein forms I244M, I203M.
Identifiers: ClinVar variation 212561 (VCV000212561.26), dbSNP rs145995735, ClinGen allele CA209108.

ClinVar aggregate classification (germline): Conflicting classifications of pathogenicity. Review status: criteria provided, conflicting classifications (1 of 4 stars). 6 submissions from 6 submitters: Uncertain significance (3); Likely benign (3). Last evaluated 2026-03-01.

Conditions:
Inborn genetic diseases. Identifiers: MedGen C0950123, MeSH D030342.
Cerebellar ataxia, impaired intellectual development, and dysequilibrium syndrome 1. Also called: VLDLR Cerebellar Hypoplasia; Cerebellar hypoplasia and mental retardation with or without quadrupedal locomotion 1; Cerebellar ataxia, intellectual disability, and dysequilibrium syndrome 1; Cerebellar ataxia, mental retardation, and dysequilibrium syndrome 1; CEREBELLAR ATAXIA AND MENTAL RETARDATION WITH OR WITHOUT QUADRUPEDAL LOCOMOTION 1; CEREBELLAR ATAXIA, CONGENITAL, AND MENTAL RETARDATION, AUTOSOMAL RECESSIVE. Identifiers: Orphanet 1766, MedGen C4551552, MONDO:0024542, OMIM 224050.

Allele frequency attached by ClinVar (database versions not stated): 1000 Genomes Project 30x 0.00016; 1000 Genomes Project 0.00020; gnomAD 0.00026 and 0.00031; TOPMed 0.00027; ESP Exome Variant Server 0.00046; gnomAD exomes 0.00048; ExAC 0.00059.
gnomAD v4.1: 640 of 1,614,190 alleles (0.04%); highest among the groups gnomAD compares: Middle Eastern, 0.33%; 2 homozygotes.

Submissions (6):

CeGaT Center for Human Genetics Tuebingen
Classification: Likely benign. Last evaluated: 2026-03-01. Review status: criteria provided, single submitter. Criteria: CeGaT Center For Human Genetics Tuebingen Variant Classification Criteria Version 2. Collection method: clinical testing. Allele origin: germline. Affected: yes. Observed: 2 variant alleles.
Comment: VLDLR: BS2

Labcorp Genetics (formerly Invitae), Labcorp
Classification: Likely benign. Last evaluated: 2026-01-12. Review status: criteria provided, single submitter. Criteria: Invitae Variant Classification Sherloc (09022015). Collection method: clinical testing. Allele origin: germline.

Ambry Genetics
Classification: Uncertain significance for Inborn genetic diseases. Last evaluated: 2022-05-09. Review status: criteria provided, single submitter. Criteria: Ambry Variant Classification Scheme 2023. Collection method: clinical testing. Allele origin: germline.

GeneDx
Classification: Likely benign. Last evaluated: 2021-03-05. Review status: criteria provided, single submitter. Criteria: GeneDx Variant Classification Process June 2021. Collection method: clinical testing. Allele origin: germline. Affected: yes.
Comment: This variant is associated with the following publications: (PMID: 33111339)

Illumina Laboratory Services, Illumina
Classification: Uncertain significance for Cerebellar ataxia, impaired intellectual development, and dysequilibrium syndrome 1. Last evaluated: 2018-01-13. Review status: criteria provided, single submitter. Criteria: ICSL Variant Classification Criteria 13 December 2019. Collection method: clinical testing. Allele origin: germline.

Genetic Services Laboratory, University of Chicago
Classification: Uncertain significance. Last evaluated: 2015-02-10. Review status: criteria provided, single submitter. Criteria: ACMG Guidelines, 2015. Collection method: clinical testing. Allele origin: germline.